The following is an entry in ClinVar:

NM_015100.4(POGZ):c.2520_2521del (p.His840fs)

Gene: POGZ (pogo transposable element derived with ZNF domain; minus strand). Cytogenetic location: 1q21.3.
Variant type: Microsatellite.
Coding change: c.2520_2521del on transcript NM_015100.4 (MANE Select); coding-DNA positions 2520 to 2521, 2 bases deleted (CA; older notation c.2520_2521delCA).
Protein change: p.His840fs; shifts the reading frame from histidine 840.
Molecular consequence: frameshift variant.
Genome position (GRCh38, 1-based): chr1:151,406,935-151,406,936, TG deleted on the plus strand (CA on the coding strand, the reverse complement: POGZ is on the minus strand); deleting any 2 consecutive bases within chr1:151,406,935-151,406,938 gives the same sequence; the c. name uses the placement nearest the transcript's 3' end. VCF-style (leftmost placement, unchanged base first): chr1-151406934-CTG-C. GRCh37 (hg19) VCF-style: chr1-151379410-CTG-C.
Other names: c.2520_2521delCA (NM_015100.3); c.2493_2494del, p.His831fs (NM_001194937.2); c.2334_2335del, p.His778fs (NM_001194938.2); c.2235_2236del, p.His745fs (NM_145796.4); c.2361_2362del, p.His787fs (NM_207171.2); short protein forms H745fs, H831fs, H787fs, H840fs, H778fs.
Identifiers: ClinVar variation 280908 (VCV000280908.5), dbSNP rs886042027, ClinGen allele CA10602743.
Genomic context (GRCh38, chr1:151,406,934, plus strand): 5'-TCCCCTTGCTCAACTAATCCCCTTCTCTCCTACTTACCCCGTGGCAGGATGCTGCTGGAT[CTG>C]TGAGAGGGGTTGAATACCAAATGCTTGGCCATAGCATCGCCCACAGAGGTAACAAAGGTA-3'

ClinVar aggregate classification (germline): Pathogenic/Likely pathogenic. Review status: criteria provided, multiple submitters, no conflicts (2 of 4 stars). 3 submissions from 3 submitters: Pathogenic (1); Likely pathogenic (2). Last evaluated 2023-04-11.

Conditions:
Intellectual disability-microcephaly-strabismus-behavioral abnormalities syndrome. Also called: White-Sutton Syndrome. Identifiers: Orphanet 468678, MedGen C4225351, MONDO:0014606, OMIM 616364.

Submissions (3):

Genome-Nilou Lab
Classification: Likely pathogenic for Intellectual disability-microcephaly-strabismus-behavioral abnormalities syndrome. Last evaluated: 2023-04-11. Review status: criteria provided, single submitter. Criteria: ACMG Guidelines, 2015. Collection method: clinical testing. Allele origin: germline. Affected: no.

Laboratorio de Genetica e Diagnostico Molecular, Hospital Israelita Albert Einstein
Classification: Likely pathogenic for Intellectual disability-microcephaly-strabismus-behavioral abnormalities syndrome. Last evaluated: 2022-09-23. Review status: criteria provided, single submitter. Criteria: ACMG Guidelines, 2015. Collection method: clinical testing. Allele origin: germline. Affected: yes. Observed: 1 variant allele.
Comment: ACMG classification criteria: PVS1 very strong, PM2 moderated

GeneDx
Classification: Pathogenic. Last evaluated: 2022-04-20. Review status: criteria provided, single submitter. Criteria: GeneDx Variant Classification Process June 2021. Collection method: clinical testing. Allele origin: germline. Affected: yes.
Comment: Frameshift variant predicted to result in protein truncation, as the last 571 amino acids are replaced with 22 different amino acids, and other loss-of-function variants have been reported downstream in HGMD.; Not observed at significant frequency in large population cohorts (gnomAD); Has not been previously published as pathogenic or benign to our knowledge